The following is an entry in ClinVar:

NM_153212.3(GJB4):c.67A>T (p.Ile23Phe)

Gene: GJB4 (gap junction protein beta 4; plus strand). Cytogenetic location: 1p34.3.
Variant type: single nucleotide variant.
Coding change: c.67A>T on transcript NM_153212.3 (MANE Select); coding-DNA position 67, A replaced by T.
Protein change: p.Ile23Phe; replaces isoleucine 23 with phenylalanine.
Molecular consequence: missense variant.
Genome position (GRCh38, 1-based): chr1:34,761,321, A>T. VCF-style: chr1-34761321-A-T. GRCh37 (hg19) VCF-style: chr1-35226922-A-T.
Other names: short protein forms I23F.
Identifiers: ClinVar variation 3711040 (VCV003711040.2).

ClinVar aggregate classification (germline): Uncertain significance (1 of 4 stars; one submission).

Submission:

Labcorp Genetics (formerly Invitae), Labcorp
Classification: Uncertain significance. Last evaluated: 2024-03-02. Review status: criteria provided, single submitter. Criteria: Invitae Variant Classification Sherloc (09022015). Collection method: clinical testing. Allele origin: germline.
Comment: This sequence change replaces isoleucine, which is neutral and non-polar, with phenylalanine, which is neutral and non-polar, at codon 23 of the GJB4 protein (p.Ile23Phe). This variant is present in population databases (rs200498643, gnomAD 0.02%). This variant has not been reported in the literature in individuals affected with GJB4-related conditions. Advanced modeling of protein sequence and biophysical properties (such as structural, functional, and spatial information, amino acid conservation, physicochemical variation, residue mobility, and thermodynamic stability) performed at Invitae indicates that this missense variant is not expected to disrupt GJB4 protein function with a negative predictive value of 80%. In summary, the available evidence is currently insufficient to determine the role of this variant in disease. Therefore, it has been classified as a Variant of Uncertain Significance.